The following is an entry in ClinVar:

ClinVar aggregate classification (germline): Likely benign. Review status: criteria provided, multiple submitters, no conflicts (2 of 4 stars). 3 submissions from 3 submitters: Likely benign (3). Last evaluated 2025-08-11.

Conditions:
Hereditary cancer-predisposing syndrome. Also called: Tumor predisposition; Neoplastic Syndromes, Hereditary; Hereditary neoplastic syndrome; Hereditary Cancer Syndrome. Identifiers: Orphanet 140162, MedGen C0027672, MeSH D009386, MONDO:0015356.
Hereditary nonpolyposis colorectal neoplasms. Identifiers: MedGen C0009405, MeSH D003123.
Lynch syndrome 5 (LYNCH5). Also called: Hereditary non-polyposis colorectal cancer, type 5; Colorectal cancer, hereditary nonpolyposis, type 5. Identifiers: Orphanet 144, MedGen C1833477, MONDO:0013710, OMIM 614350. Disease mechanism: loss of function.

Submissions (3):

Labcorp Genetics (formerly Invitae), Labcorp
Classification: Likely benign for Hereditary nonpolyposis colorectal neoplasms. Last evaluated: 2025-08-11. Review status: criteria provided, single submitter. Criteria: Invitae Variant Classification Sherloc (09022015). Collection method: clinical testing. Allele origin: germline.

Myriad Genetics, Inc.
Classification: Likely benign for Lynch syndrome 5. Last evaluated: 2025-01-06. Review status: criteria provided, single submitter. Criteria: Myriad Autosomal Dominant, Autosomal Recessive and X-Linked Classification Criteria (2023). Collection method: clinical testing. Allele origin: unknown.
Comment: This variant is considered likely benign. This variant is intronic and is not expected to impact mRNA splicing.

Color Diagnostics, LLC DBA Color Health
Classification: Likely benign for Hereditary cancer-predisposing syndrome. Last evaluated: 2017-12-19. Review status: criteria provided, single submitter. Criteria: ACMG Guidelines, 2015. Collection method: clinical testing. Allele origin: germline.

NM_000179.3(MSH6):c.3438+9_3438+15del

Gene: MSH6 (mutS homolog 6; plus strand). Cytogenetic location: 2p16.3.
Variant type: Deletion.
Coding change: c.3438+9_3438+15del on transcript NM_000179.3 (MANE Select); bases 9 to 15 of the intron after coding-DNA position 3438, 7 bases deleted (TTCTTAA; older notation c.3438+9_3438+15delTTCTTAA).
Molecular consequence: intron variant.
Genome position (GRCh38, 1-based): chr2:47,803,694-47,803,700, TTCTTAA deleted; deleting any 7 consecutive bases within chr2:47,803,693-47,803,700 gives the same sequence; the c. name uses the placement nearest the transcript's 3' end. VCF-style (leftmost placement, unchanged base first): chr2-47803692-GATTCTTA-G. GRCh37 (hg19) VCF-style: chr2-48030831-GATTCTTA-G.
Other names: c.2532+9_2532+15del (NM_001281493.2, NM_001281494.2); c.3048+9_3048+15del (NM_001281492.2).
Identifiers: ClinVar variation 631059 (VCV000631059.12), dbSNP rs1558387942, ClinGen allele CA913187976.